The following is an entry in ClinVar:

ClinVar aggregate classification (germline): Likely benign. Review status: criteria provided, multiple submitters, no conflicts (2 of 4 stars). 3 submissions from 3 submitters: Likely benign (2). 1 of the submissions does not count toward it. Last evaluated 2026-02-03.

Conditions:
TCAP-related disorder. Also called: TCAP-related condition.
Primary familial hypertrophic cardiomyopathy (HCM). Identifiers: Orphanet 99739, MedGen C0949658, MeSH D024741, MONDO:0024573. Inheritance: Various modes of inheritance.
Hypertrophic cardiomyopathy 25 (CMH25). Also called: CARDIOMYOPATHY, FAMILIAL HYPERTROPHIC, 25. Identifiers: MedGen C4225408, MONDO:0011843, OMIM 607487.
Cardiovascular phenotype. Identifiers: MedGen CN230736.

Allele frequency attached by ClinVar (database versions not stated): gnomAD 0.00001; TOPMed 0.00001; ExAC 0.00002.

Submissions (3):

Labcorp Genetics (formerly Invitae), Labcorp
Classification: Likely benign for Hypertrophic cardiomyopathy 25; Primary familial hypertrophic cardiomyopathy. Last evaluated: 2026-02-03. Review status: criteria provided, single submitter. Criteria: Invitae Variant Classification Sherloc (09022015). Collection method: clinical testing. Allele origin: germline.

Ambry Genetics
Classification: Likely benign for Cardiovascular phenotype. Last evaluated: 2020-01-29. Review status: criteria provided, single submitter. Criteria: Ambry Variant Classification Scheme 2023. Collection method: clinical testing. Allele origin: germline.

PreventionGenetics, part of Exact Sciences
Classification: Likely benign for TCAP-related condition. Last evaluated: 2023-04-05. Review status: no assertion criteria provided. Collection method: clinical testing. Allele origin: germline. Not counted in ClinVar's aggregate classification.
Comment: This variant is classified as likely benign based on ACMG/AMP sequence variant interpretation guidelines (Richards et al. 2015 PMID: 25741868, with internal and published modifications).

NM_003673.4(TCAP):c.24C>T (p.Cys8=)

Gene: TCAP (titin-cap; plus strand). Cytogenetic location: 17q12.
Variant type: single nucleotide variant.
Coding change: c.24C>T on transcript NM_003673.4 (MANE Select); coding-DNA position 24, C replaced by T.
Protein change: p.Cys8=; no amino-acid change (cysteine 8 retained).
Molecular consequence: synonymous variant.
Genome position (GRCh38, 1-based): chr17:39,665,383, C>T. VCF-style: chr17-39665383-C-T. GRCh37 (hg19) VCF-style: chr17-37821636-C-T.
Identifiers: ClinVar variation 464946 (VCV000464946.13), dbSNP rs756548785, ClinGen allele CA8532819.